The following is an entry in ClinVar:

NM_012232.6(CAVIN1):c.203T>C (p.Ile68Thr)

Gene: CAVIN1 (caveolae associated protein 1; minus strand). Cytogenetic location: 17q21.2.
Variant type: single nucleotide variant.
Coding change: c.203T>C on transcript NM_012232.6 (MANE Select); coding-DNA position 203, T replaced by C.
Protein change: p.Ile68Thr; replaces isoleucine 68 with threonine.
Molecular consequence: missense variant.
Genome position (GRCh38, 1-based): chr17:42,422,895, A>G on the plus strand (T>C on the coding strand, the complement: CAVIN1 is on the minus strand). VCF-style: chr17-42422895-A-G. GRCh37 (hg19) VCF-style: chr17-40574913-A-G.
Other names: p.Ile68Thr; short protein forms I68T.
Identifiers: ClinVar variation 4075482 (VCV004075482.3).

ClinVar aggregate classification (germline): Uncertain significance. Review status: criteria provided, multiple submitters, no conflicts (2 of 4 stars). 3 submissions from 3 submitters: Uncertain significance (3). Last evaluated 2025-09-26.

Submissions (3):

Mayo Clinic Laboratories, Mayo Clinic
Classification: Uncertain significance. Last evaluated: 2025-09-26. Review status: criteria provided, single submitter. Criteria: ACMG Guidelines, 2015. Collection method: clinical testing. Allele origin: germline. Observed: 1 variant allele.
Comment: PP3, PM2_supporting

Ambry Genetics
Classification: Uncertain significance. Last evaluated: 2025-06-18. Review status: criteria provided, single submitter. Criteria: Ambry Variant Classification Scheme 2023. Collection method: clinical testing. Allele origin: germline.

GeneDx
Classification: Uncertain significance. Last evaluated: 2025-02-13. Review status: criteria provided, single submitter. Criteria: GeneDx Variant Classification Process June 2021. Collection method: clinical testing. Allele origin: germline. Affected: yes.
Comment: Reported previously as a variant of uncertain significance in a cohort of patients receiving testing for dyslipidemia; however, no specific clinical information was provided (PMID: 32041611); Not observed at significant frequency in large population cohorts (gnomAD); In silico analysis supports that this missense variant has a deleterious effect on protein structure/function; This variant is associated with the following publications: (PMID: 32041611)

Literature cited by the submitters: PubMed 32041611 (cited by Mayo Clinic Laboratories, Mayo Clinic).